The following is an entry in ClinVar:

NM_001830.4(CLCN4):c.1121T>C (p.Ile374Thr)

Gene: CLCN4 (chloride voltage-gated channel 4; plus strand). Cytogenetic location: Xp22.2.
Variant type: single nucleotide variant.
Coding change: c.1121T>C on transcript NM_001830.4 (MANE Select); coding-DNA position 1121, T replaced by C.
Protein change: p.Ile374Thr; replaces isoleucine 374 with threonine.
Molecular consequence: missense variant.
Genome position (GRCh38, 1-based): chrX:10,208,322, T>C. VCF-style: chrX-10208322-T-C. GRCh37 (hg19) VCF-style: chrX-10176362-T-C.
Other names: c.839T>C, p.Ile280Thr (NM_001256944.2); short protein forms I374T, I280T.
Identifiers: ClinVar variation 426979 (VCV000426979.9), dbSNP rs372694824, ClinGen allele CA10347177.

ClinVar aggregate classification (germline): Uncertain significance. Review status: criteria provided, multiple submitters, no conflicts (2 of 4 stars). 2 submissions from 2 submitters: Uncertain significance (2). Last evaluated 2023-11-07.

Allele frequency attached by ClinVar (database versions not stated): ExAC 0.00001; gnomAD 0.00001; gnomAD exomes 0.00001 and 0.00004; TOPMed 0.00001; ESP Exome Variant Server 0.00009.
gnomAD v4.1: 45 of 1,208,859 alleles (0.0037%); highest among the groups gnomAD compares: Non-Finnish European, 0.005%; no homozygotes.

Submissions (2):

Labcorp Genetics (formerly Invitae), Labcorp
Classification: Uncertain significance. Last evaluated: 2023-11-07. Review status: criteria provided, single submitter. Criteria: Invitae Variant Classification Sherloc (09022015). Collection method: clinical testing. Allele origin: germline.
Comment: This sequence change replaces isoleucine, which is neutral and non-polar, with threonine, which is neutral and polar, at codon 374 of the CLCN4 protein (p.Ile374Thr). This variant is present in population databases (rs372694824, gnomAD 0.004%), including at least one homozygous and/or hemizygous individual. This missense change has been observed in individual(s) with clinical features of CLCN4-related conditions (PMID: 36385166). ClinVar contains an entry for this variant (Variation ID: 426979). Advanced modeling of protein sequence and biophysical properties (such as structural, functional, and spatial information, amino acid conservation, physicochemical variation, residue mobility, and thermodynamic stability) performed at Invitae indicates that this missense variant is not expected to disrupt CLCN4 protein function with a negative predictive value of 80%. Experimental studies are conflicting or provide insufficient evidence to determine the effect of this variant on CLCN4 function (PMID: 36385166). In summary, the available evidence is currently insufficient to determine the role of this variant in disease. Therefore, it has been classified as a Variant of Uncertain Significance.

GeneDx
Classification: Uncertain significance. Last evaluated: 2018-11-27. Review status: criteria provided, single submitter. Criteria: GeneDx Variant Classification (06012015). Collection method: clinical testing. Allele origin: germline. Affected: yes.
Comment: The I374T variant in the CLCN4 gene has not been reported previously as a pathogenic variant, nor as a benign variant, to our knowledge. This variant is not observed at a significant frequency in large population cohorts (Lek et al., 2016; 1000 Genomes Consortium et al., 2015; Exome Variant Server). The I374T variant is a non-conservative amino acid substitution, which is likely to impact secondary protein structure as these residues differ in polarity, charge, size and/or other properties. This substitution occurs at a position where amino acids with similar properties to Isoleucine are tolerated across species. In silico analysis predicts this variant is probably damaging to the protein structure/function. We interpret I374T as a variant of uncertain significance.

Literature cited by the submitters: PubMed 36385166 (cited by Labcorp Genetics (formerly Invitae), Labcorp).